The following is an entry in ClinVar:

ClinVar aggregate classification (germline): Pathogenic (1 of 4 stars; one submission).

Conditions:
Neurofibromatosis, type 1 (NF1). Also called: Neurofibromatosis, type I; VON RECKLINGHAUSEN DISEASE; NEUROFIBROMATOSIS, TYPE I, SOMATIC; Peripheral type neurofibromatosis. Identifiers: Orphanet 636, MedGen C0027831, MONDO:0018975, OMIM 162200. Disease mechanism: loss of function.

Submission:

Labcorp Genetics (formerly Invitae), Labcorp
Classification: Pathogenic for Neurofibromatosis, type 1. Last evaluated: 2021-08-23. Review status: criteria provided, single submitter. Criteria: Invitae Variant Classification Sherloc (09022015). Collection method: clinical testing. Allele origin: germline.
Comment: For these reasons, this variant has been classified as Pathogenic. Algorithms developed to predict the effect of sequence changes on RNA splicing suggest that this variant may disrupt the consensus splice site. Disruption of this splice site has been observed in individual(s) with clinical features of neurofibromatosis type 1 and/or neurofibromatosis type 1 (PMID: 17311297, 26740943). This variant is not present in population databases (ExAC no frequency). This sequence change affects a splice site in intron 46 of the NF1 gene. It is expected to disrupt RNA splicing. Variants that disrupt the donor or acceptor splice site typically lead to a loss of protein function (PMID: 16199547), and loss-of-function variants in NF1 are known to be pathogenic (PMID: 10712197, 23913538).

Literature cited by the submitters: PubMed 17311297; PubMed 26740943; PubMed 16199547; PubMed 10712197; PubMed 23913538.

NM_001042492.3(NF1):c.7062+1_7062+2insA

Gene: NF1 (neurofibromin 1; plus strand). Cytogenetic location: 17q11.2.
Variant type: Insertion.
Coding change: c.7062+1_7062+2insA on transcript NM_001042492.3 (MANE Select); the canonical splice donor site of the intron after coding-DNA position 7062, A inserted.
Molecular consequence: splice donor variant.
Genome position: GRCh38 VCF-style: chr17-31340646-G-GA. GRCh37 (hg19) VCF-style: chr17-29667664-G-GA.
Other names: c.6999+1_6999+2insA (NM_000267.4).
Identifiers: ClinVar variation 1457195 (VCV001457195.6), dbSNP rs2151562057, ClinGen allele CA2573153896.